The following is an entry in ClinVar:

ClinVar aggregate classification (germline): Uncertain significance (1 of 4 stars; one submission).

Conditions:
Atrial fibrillation, familial, 7 (ATFB7). Identifiers: MedGen C2677106, MONDO:0012828, OMIM 612240.

Allele frequency attached by ClinVar (database versions not stated): TOPMed below 0.00001; gnomAD 0.00001; gnomAD exomes 0.00001.
gnomAD v4.1: 9 of 1,613,268 alleles (0.00056%); highest among the groups gnomAD compares: Non-Finnish European, 0.00068%; no homozygotes.

Submission:

Labcorp Genetics (formerly Invitae), Labcorp
Classification: Uncertain significance for Atrial fibrillation, familial, 7. Last evaluated: 2023-10-04. Review status: criteria provided, single submitter. Criteria: Invitae Variant Classification Sherloc (09022015). Collection method: clinical testing. Allele origin: germline.
Comment: This sequence change replaces threonine, which is neutral and polar, with serine, which is neutral and polar, at codon 607 of the KCNA5 protein (p.Thr607Ser). The frequency data for this variant in the population databases is considered unreliable, as metrics indicate poor data quality at this position in the gnomAD database. This variant has not been reported in the literature in individuals affected with KCNA5-related conditions. Algorithms developed to predict the effect of missense changes on protein structure and function output the following: SIFT: "Not Available"; PolyPhen-2: "Benign"; Align-GVGD: "Not Available". The serine amino acid residue is found in multiple mammalian species, which suggests that this missense change does not adversely affect protein function. In summary, the available evidence is currently insufficient to determine the role of this variant in disease. Therefore, it has been classified as a Variant of Uncertain Significance.

NM_002234.4(KCNA5):c.1819A>T (p.Thr607Ser)

Gene: KCNA5 (potassium voltage-gated channel subfamily A member 5; plus strand). Cytogenetic location: 12p13.32.
Variant type: single nucleotide variant.
Coding change: c.1819A>T on transcript NM_002234.4 (MANE Select); coding-DNA position 1819, A replaced by T.
Protein change: p.Thr607Ser; replaces threonine 607 with serine.
Molecular consequence: missense variant.
Genome position (GRCh38, 1-based): chr12:5,045,966, A>T. VCF-style: chr12-5045966-A-T. GRCh37 (hg19) VCF-style: chr12-5155132-A-T.
Other names: short protein forms T607S.
Identifiers: ClinVar variation 2911951 (VCV002911951.3), dbSNP rs1459366647, ClinGen allele CA383467289.